The following is an entry in ClinVar:

ClinVar aggregate classification (germline): Likely benign (1 of 4 stars; one submission).

Allele frequency attached by ClinVar (database versions not stated): 1000 Genomes Project 0.00020; 1000 Genomes Project 30x 0.00031; ExAC 0.00116; TOPMed 0.00150; ESP Exome Variant Server 0.00169; gnomAD 0.00172; gnomAD exomes 0.00197.
gnomAD v4.1: 3,113 of 1,611,880 alleles (0.19%); highest among the groups gnomAD compares: Non-Finnish European, 0.24%; 6 homozygotes.

Submission:

CeGaT Center for Human Genetics Tuebingen
Classification: Likely benign. Last evaluated: 2022-11-01. Review status: criteria provided, single submitter. Criteria: CeGaT Center For Human Genetics Tuebingen Variant Classification Criteria Version 2. Collection method: clinical testing. Allele origin: germline. Affected: yes. Observed: 1 variant allele.
Comment: MGAT4B: BP4, BP7

NM_014275.5(MGAT4B):c.639G>A (p.Glu213=)

Gene: MGAT4B (alpha-1,3-mannosyl-glycoprotein 4-beta-N-acetylglucosaminyltransferase B; minus strand). Cytogenetic location: 5q35.3.
Variant type: single nucleotide variant.
Coding change: c.639G>A on transcript NM_014275.5 (MANE Select); coding-DNA position 639, G replaced by A.
Protein change: p.Glu213=; no amino-acid change (glutamic acid 213 retained).
Molecular consequence: synonymous variant.
Genome position (GRCh38, 1-based): chr5:179,800,564, C>T on the plus strand (G>A on the coding strand, the complement: MGAT4B is on the minus strand). VCF-style: chr5-179800564-C-T. GRCh37 (hg19) VCF-style: chr5-179227564-C-T.
Other names: c.684G>A, p.Glu228= (NM_054013.3).
Identifiers: ClinVar variation 2656137 (VCV002656137.24), dbSNP rs141397984, ClinGen allele CA3600016.